The following is an entry in ClinVar:

NM_001079872.2(CUL4B):c.1650T>C (p.Asp550=)

Gene: CUL4B (cullin 4B; minus strand). Cytogenetic location: Xq24.
Variant type: single nucleotide variant.
Coding change: c.1650T>C on transcript NM_001079872.2 (MANE Select); coding-DNA position 1650, T replaced by C.
Protein change: p.Asp550=; no amino-acid change (aspartic acid 550 retained).
Molecular consequence: synonymous variant.
Genome position (GRCh38, 1-based): chrX:120,539,359, A>G on the plus strand (T>C on the coding strand, the complement: CUL4B is on the minus strand). VCF-style: chrX-120539359-A-G. GRCh37 (hg19) VCF-style: chrX-119673214-A-G.
Other names: p.Asp568=; c.1665T>C, p.Asp555= (NM_001330624.2); c.1116T>C, p.Asp372= (NM_001369145.1); c.1704T>C, p.Asp568= (NM_003588.4).
Identifiers: ClinVar variation 3046736 (VCV003046736.4), dbSNP rs750123719, ClinGen allele CA10505509.

ClinVar aggregate classification (germline): Likely benign. Review status: criteria provided, multiple submitters, no conflicts (2 of 4 stars). 3 submissions from 3 submitters: Likely benign (2). 1 of the submissions does not count toward it. Last evaluated 2025-05-12.

Conditions:
X-linked intellectual disability Cabezas type (MRXSC). Also called: CABEZAS SYNDROME; MENTAL RETARDATION, X-LINKED, SYNDROMIC 15; Intellectual developmental disorder, X-linked syndromic, Cabezas type. Identifiers: Orphanet 85289, Orphanet 85293, MedGen C1845861, MONDO:0010306, OMIM 300354.
CUL4B-related disorder. Also called: CUL4B-related condition.

Allele frequency attached by ClinVar (database versions not stated): gnomAD exomes 0.00001; ExAC 0.00002; gnomAD 0.00010; TOPMed 0.00011.
gnomAD v4.1: 18 of 1,177,657 alleles (0.0015%); highest among the groups gnomAD compares: African/African-American, 0.025%; no homozygotes.

Submissions (3):

Labcorp Genetics (formerly Invitae), Labcorp
Classification: Likely benign for X-linked intellectual disability Cabezas type. Last evaluated: 2025-05-12. Review status: criteria provided, single submitter. Criteria: Invitae Variant Classification Sherloc (09022015). Collection method: clinical testing. Allele origin: germline.

Mayo Clinic Laboratories, Mayo Clinic
Classification: Likely benign. Last evaluated: 2025-03-11. Review status: criteria provided, single submitter. Criteria: ACMG Guidelines, 2015. Collection method: clinical testing. Allele origin: germline. Observed: 1 variant allele.
Comment: BP4, BP7

PreventionGenetics, part of Exact Sciences
Classification: Likely benign for CUL4B-related condition. Last evaluated: 2022-02-14. Review status: no assertion criteria provided. Collection method: clinical testing. Allele origin: germline. Not counted in ClinVar's aggregate classification.
Comment: This variant is classified as likely benign based on ACMG/AMP sequence variant interpretation guidelines (Richards et al. 2015 PMID: 25741868, with internal and published modifications).